The following is an entry in ClinVar:

ClinVar aggregate classification (germline): Uncertain significance. Review status: criteria provided, multiple submitters, no conflicts (2 of 4 stars). 3 submissions from 3 submitters: Uncertain significance (3). Last evaluated 2025-10-31.

Conditions:
Hereditary cancer-predisposing syndrome. Also called: Hereditary Cancer Syndrome; Hereditary neoplastic syndrome; Neoplastic Syndromes, Hereditary; Tumor predisposition. Identifiers: Orphanet 140162, MedGen C0027672, MeSH D009386, MONDO:0015356.

Allele frequency attached by ClinVar (database versions not stated): gnomAD exomes below 0.00001.

Submissions (3):

Ambry Genetics
Classification: Uncertain significance for Hereditary cancer-predisposing syndrome. Last evaluated: 2025-10-31. Review status: criteria provided, single submitter. Criteria: Ambry Variant Classification Scheme 2023. Collection method: clinical testing. Allele origin: germline.
Comment: The p.M153V variant (also known as c.457A>G) is located in coding exon 5 of the FANCC gene. The methionine at codon 153 is replaced by valine, an amino acid with highly similar properties. This change occurs in the first base pair of coding exon 5. This amino acid position is conserved. In addition, this alteration is predicted to be tolerated by in silico analysis. Since supporting evidence is limited at this time, the clinical significance of this alteration remains unclear.

GeneDx
Classification: Uncertain significance. Last evaluated: 2025-03-25. Review status: criteria provided, single submitter. Criteria: GeneDx Variant Classification Process June 2021. Collection method: clinical testing. Allele origin: germline. Affected: yes.
Comment: Not observed at significant frequency in large population cohorts (gnomAD); In silico analysis indicates that this missense variant does not alter protein structure/function; Observed in patients with breast cancer (PMID: 33471991); This variant is associated with the following publications: (PMID: Gordon2000[Book], 33471991)

Quest Diagnostics Nichols Institute San Juan Capistrano
Classification: Uncertain significance. Last evaluated: 2023-05-15. Review status: criteria provided, single submitter. Criteria: Quest Diagnostics criteria. Collection method: clinical testing. Allele origin: unknown.
Comment: It has not been reported in large, multi-ethnic general populations. In the published literature, the variant has been reported in individuals with breast cancer (PMID: 33471991 (2021), see also LOVD). Analysis of this variant using bioinformatics tools for the prediction of the effect of amino acid changes on protein structure and function yielded predictions that this variant is benign. Based on the available information, we are unable to determine the clinical significance of this variant.

Literature cited by the submitters: PubMed 33471991 (cited by Quest Diagnostics Nichols Institute San Juan Capistrano).

NM_000136.3(FANCC):c.457A>G (p.Met153Val)

Gene: FANCC (FA complementation group C; minus strand). Cytogenetic location: 9q22.32.
Variant type: single nucleotide variant.
Coding change: c.457A>G on transcript NM_000136.3 (MANE Select); coding-DNA position 457, A replaced by G.
Protein change: p.Met153Val; replaces methionine 153 with valine.
Molecular consequence: missense variant.
Genome position (GRCh38, 1-based): chr9:95,171,143, T>C on the plus strand (A>G on the coding strand, the complement: FANCC is on the minus strand). VCF-style: chr9-95171143-T-C. GRCh37 (hg19) VCF-style: chr9-97933425-T-C.
Other names: c.457A>G, p.Met153Val (NM_001243743.2, NM_001243744.2); short protein forms M153V.
Identifiers: ClinVar variation 1741614 (VCV001741614.5), dbSNP rs2135579931, ClinGen allele CA374338678.